The following is an entry in ClinVar:

ClinVar aggregate classification (germline): Uncertain significance (1 of 4 stars; one submission).

Submission:

GeneDx
Classification: Uncertain significance. Last evaluated: 2025-07-15. Review status: criteria provided, single submitter. Criteria: GeneDx Variant Classification Process June 2021. Collection method: clinical testing. Allele origin: germline. Affected: yes.
Comment: Not observed at significant frequency in large population cohorts (gnomAD); In silico analysis suggests that this missense variant does not alter protein structure/function; Has not been previously published as pathogenic or benign to our knowledge

NM_014727.3(KMT2B):c.525G>T (p.Lys175Asn)

Gene: KMT2B (lysine methyltransferase 2B; plus strand). Cytogenetic location: 19q13.12.
Variant type: single nucleotide variant.
Coding change: c.525G>T on transcript NM_014727.3 (MANE Select); coding-DNA position 525, G replaced by T.
Protein change: p.Lys175Asn; replaces lysine 175 with asparagine.
Molecular consequence: missense variant.
Genome position (GRCh38, 1-based): chr19:35,719,872, G>T. VCF-style: chr19-35719872-G-T. GRCh37 (hg19) VCF-style: chr19-36210774-G-T.
Other names: short protein forms K175N.
Identifiers: ClinVar variation 4686276 (VCV004686276.1).